The following is an entry in ClinVar:

ClinVar aggregate classification (germline): Uncertain significance. Review status: criteria provided, multiple submitters, no conflicts (2 of 4 stars). 2 submissions from 2 submitters: Uncertain significance (2). Last evaluated 2024-08-22.

gnomAD v4.1: 1 of 1,607,704 alleles (0.000062%); highest among the groups gnomAD compares: South Asian, 0.0011%; no homozygotes.

Submissions (2):

Blueprint Genetics
Classification: Uncertain significance. Last evaluated: 2024-08-22. Review status: criteria provided, single submitter. Criteria: ACMG Guidelines, 2015. Collection method: clinical testing. Allele origin: germline.

Labcorp Genetics (formerly Invitae), Labcorp
Classification: Uncertain significance. Last evaluated: 2024-04-03. Review status: criteria provided, single submitter. Criteria: Invitae Variant Classification Sherloc (09022015). Collection method: clinical testing. Allele origin: germline.
Comment: This sequence change replaces methionine, which is neutral and non-polar, with threonine, which is neutral and polar, at codon 678 of the PDE6B protein (p.Met678Thr). This variant is present in population databases (rs777922188, gnomAD 0.003%). This variant has not been reported in the literature in individuals affected with PDE6B-related conditions. Advanced modeling of protein sequence and biophysical properties (such as structural, functional, and spatial information, amino acid conservation, physicochemical variation, residue mobility, and thermodynamic stability) has been performed at Invitae for this missense variant, however the output from this modeling did not meet the statistical confidence thresholds required to predict the impact of this variant on PDE6B protein function. In summary, the available evidence is currently insufficient to determine the role of this variant in disease. Therefore, it has been classified as a Variant of Uncertain Significance.

NM_000283.4(PDE6B):c.2033T>C (p.Met678Thr)

Gene: PDE6B (phosphodiesterase 6B; plus strand). Cytogenetic location: 4p16.3.
Variant type: single nucleotide variant.
Coding change: c.2033T>C on transcript NM_000283.4 (MANE Select); coding-DNA position 2033, T replaced by C.
Protein change: p.Met678Thr; replaces methionine 678 with threonine.
Molecular consequence: missense variant.
Genome position (GRCh38, 1-based): chr4:664,125, T>C. VCF-style: chr4-664125-T-C. GRCh37 (hg19) VCF-style: chr4-657914-T-C.
Other names: c.2033T>C, p.Met678Thr (NM_001145291.2); c.1196T>C, p.Met399Thr (NM_001145292.2, NM_001350154.3, NM_001379246.1 and 1 more transcripts); c.878T>C, p.Met293Thr (NM_001350155.3); short protein forms M293T, M399T, M678T.
Identifiers: ClinVar variation 3682578 (VCV003682578.3).
Genomic context (GRCh38, chr4:664,125, plus strand): 5'-GGTCTCCACACTTGCTCCCACCTGCACCTCCCTTGTTCCCTGGGTTCAGGAAGAGAGCGA[T>C]GTTTCAGAAGATCGTGGATGAGTCCAAGAACTACCAGGACAAGAAGAGCTGGGTGGAGTA-3'
Protein context (NP_000274.3, residues 668-688): DLALYFKKRA[Met678Thr]FQKIVDESKN